The following is an entry in ClinVar:

NM_000238.4(KCNH2):c.629T>C (p.Leu210Pro)

Gene: KCNH2 (potassium voltage-gated channel subfamily H member 2; minus strand). Cytogenetic location: 7q36.1.
Variant type: single nucleotide variant.
Coding change: c.629T>C on transcript NM_000238.4 (MANE Select); coding-DNA position 629, T replaced by C.
Protein change: p.Leu210Pro; replaces leucine 210 with proline.
Molecular consequence: missense variant.
Genome position (GRCh38, 1-based): chr7:150,958,346, A>G on the plus strand (T>C on the coding strand, the complement: KCNH2 is on the minus strand). VCF-style: chr7-150958346-A-G. GRCh37 (hg19) VCF-style: chr7-150655434-A-G.
Other names: c.341T>C, p.Leu114Pro (NM_001406753.1, NM_001406756.1); c.452T>C, p.Leu151Pro (NM_001406755.1); c.329T>C, p.Leu110Pro (NM_001406757.1); c.629T>C, p.Leu210Pro (NM_172056.3); short protein forms L210P, L110P, L151P, L114P.
Identifiers: ClinVar variation 938315 (VCV000938315.10), dbSNP rs1243787663, ClinGen allele CA369863042.
Genomic context (GRCh38, chr7:150,958,346, plus strand): 5'-TCCTCCGCGGGCCCGAGCCCTGCCACGTGGTTGTCCATGGCTGTCACTTCGTCCAGGGCC[A>G]GCGACTCGCTGCTGGGTGCCGCGGGCGTCAGGTCCACGTCCACCACCACGGCCCCCGGGG-3'
Protein context (NP_000229.1, residues 200-220): LTPAAPSSES[Leu210Pro]ALDEVTAMDN

ClinVar aggregate classification (germline): Uncertain significance (1 of 4 stars; one submission).

Conditions:
Long QT syndrome (LQTS). Identifiers: MedGen C0023976, MeSH D008133, MONDO:0002442. Disease mechanism: loss of function. Inheritance: Various modes of inheritance.

Submission:

Labcorp Genetics (formerly Invitae), Labcorp
Classification: Uncertain significance for Long QT syndrome. Last evaluated: 2024-07-29. Review status: criteria provided, single submitter. Criteria: Invitae Variant Classification Sherloc (09022015). Collection method: clinical testing. Allele origin: germline.
Comment: This sequence change replaces leucine, which is neutral and non-polar, with proline, which is neutral and non-polar, at codon 210 of the KCNH2 protein (p.Leu210Pro). This variant is not present in population databases (gnomAD no frequency). This variant has not been reported in the literature in individuals affected with KCNH2-related conditions. ClinVar contains an entry for this variant (Variation ID: 938315). An algorithm developed to predict the effect of missense changes on protein structure and function (PolyPhen-2) suggests that this variant is likely to be disruptive. In summary, the available evidence is currently insufficient to determine the role of this variant in disease. Therefore, it has been classified as a Variant of Uncertain Significance.